The following is an entry in ClinVar:

NM_019074.4(DLL4):c.1738A>T (p.Ile580Phe)

Gene: DLL4 (delta like canonical Notch ligand 4; plus strand). Cytogenetic location: 15q15.1.
Variant type: single nucleotide variant.
Coding change: c.1738A>T on transcript NM_019074.4 (MANE Select); coding-DNA position 1738, A replaced by T.
Protein change: p.Ile580Phe; replaces isoleucine 580 with phenylalanine.
Molecular consequence: missense variant.
Genome position (GRCh38, 1-based): chr15:40,936,725, A>T. VCF-style: chr15-40936725-A-T. GRCh37 (hg19) VCF-style: chr15-41228923-A-T.
Other names: short protein forms I580F.
Identifiers: ClinVar variation 4823431 (VCV004823431.4).

ClinVar aggregate classification (germline): Uncertain significance (1 of 4 stars; one submission).

Submission:

CeGaT Center for Human Genetics Tuebingen
Classification: Uncertain significance. Last evaluated: 2026-02-01. Review status: criteria provided, single submitter. Criteria: CeGaT Center For Human Genetics Tuebingen Variant Classification Criteria Version 2. Collection method: clinical testing. Allele origin: germline. Affected: yes. Observed: 1 variant allele.
Comment: DLL4: PM2, PP2, PP3